The following is an entry in ClinVar:

NM_000341.4(SLC3A1):c.1389C>T (p.Asn463=)

Gene: SLC3A1 (solute carrier family 3 member 1; plus strand). Cytogenetic location: 2p21.
Variant type: single nucleotide variant.
Coding change: c.1389C>T on transcript NM_000341.4 (MANE Select); coding-DNA position 1389, C replaced by T.
Protein change: p.Asn463=; no amino-acid change (asparagine 463 retained).
Molecular consequence: synonymous variant.
Genome position (GRCh38, 1-based): chr2:44,312,642, C>T. VCF-style: chr2-44312642-C-T. GRCh37 (hg19) VCF-style: chr2-44539781-C-T.
Identifiers: ClinVar variation 747687 (VCV000747687.8), dbSNP rs200800682, ClinGen allele CA1640574.

ClinVar aggregate classification (germline): Likely benign. Review status: criteria provided, multiple submitters, no conflicts (2 of 4 stars). 3 submissions from 3 submitters: Likely benign (2). 1 of the submissions does not count toward it. Last evaluated 2024-11-04.

Conditions:
SLC3A1-related disorder. Also called: SLC3A1-related condition.
Cystinuria (CSNU). Also called: CYSTINURIA, TYPE I; CYSTINURIA, TYPE II; CYSTINURIA, TYPE III; Cystinuria, non-type I. Identifiers: Orphanet 214, MedGen C0010691, MONDO:0009067, OMIM 220100, HP:0003131.

Allele frequency attached by ClinVar (database versions not stated): gnomAD exomes 0.00005; ExAC 0.00006; gnomAD 0.00009; TOPMed 0.00009.
gnomAD v4.1: 142 of 1,613,612 alleles (0.0088%); highest among the groups gnomAD compares: Non-Finnish European, 0.012%; 1 homozygote.

Submissions (3):

Labcorp Genetics (formerly Invitae), Labcorp
Classification: Likely benign for Cystinuria. Last evaluated: 2024-11-04. Review status: criteria provided, single submitter. Criteria: Invitae Variant Classification Sherloc (09022015). Collection method: clinical testing. Allele origin: germline.

Blueprint Genetics
Classification: Likely benign. Last evaluated: 2024-09-04. Review status: criteria provided, single submitter. Criteria: ACMG Guidelines, 2015. Collection method: clinical testing. Allele origin: germline.

PreventionGenetics, part of Exact Sciences
Classification: Likely benign for SLC3A1-related condition. Last evaluated: 2021-04-06. Review status: no assertion criteria provided. Collection method: clinical testing. Allele origin: germline. Not counted in ClinVar's aggregate classification.
Comment: This variant is classified as likely benign based on ACMG/AMP sequence variant interpretation guidelines (Richards et al. 2015 PMID: 25741868, with internal and published modifications).